The following is an entry in ClinVar:

ClinVar aggregate classification (germline): Uncertain significance. Review status: criteria provided, multiple submitters, no conflicts (2 of 4 stars). 2 submissions from 2 submitters: Uncertain significance (2). Last evaluated 2024-07-17.

Conditions:
Inborn genetic diseases. Identifiers: MedGen C0950123, MeSH D030342.

Allele frequency attached by ClinVar (database versions not stated): ExAC 0.00002; gnomAD exomes 0.00002; gnomAD 0.00007 and 0.00008; TOPMed 0.00007.
gnomAD v4.1: 46 of 1,613,788 alleles (0.0029%); highest among the groups gnomAD compares: African/African-American, 0.017%; no homozygotes.

Submissions (2):

Ambry Genetics
Classification: Uncertain significance for Inborn genetic diseases. Last evaluated: 2024-07-17. Review status: criteria provided, single submitter. Criteria: Ambry Variant Classification Scheme 2023. Collection method: clinical testing. Allele origin: germline.

Labcorp Genetics (formerly Invitae), Labcorp
Classification: Uncertain significance. Last evaluated: 2021-09-27. Review status: criteria provided, single submitter. Criteria: Invitae Variant Classification Sherloc (09022015). Collection method: clinical testing. Allele origin: germline.
Comment: This sequence change replaces alanine with valine at codon 833 of the ABCA12 protein (p.Ala833Val). The alanine residue is highly conserved and there is a small physicochemical difference between alanine and valine. This variant is present in population databases (rs745503625, ExAC 0.006%). This variant has not been reported in the literature in individuals affected with ABCA12-related conditions. Advanced modeling of protein sequence and biophysical properties (such as structural, functional, and spatial information, amino acid conservation, physicochemical variation, residue mobility, and thermodynamic stability) performed at Invitae indicates that this missense variant is not expected to disrupt ABCA12 protein function. In summary, the available evidence is currently insufficient to determine the role of this variant in disease. Therefore, it has been classified as a Variant of Uncertain Significance.

NM_173076.3(ABCA12):c.2498C>T (p.Ala833Val)

Gene: ABCA12 (ATP binding cassette subfamily A member 12; minus strand). Cytogenetic location: 2q35.
Variant type: single nucleotide variant.
Coding change: c.2498C>T on transcript NM_173076.3 (MANE Select); coding-DNA position 2498, C replaced by T.
Protein change: p.Ala833Val; replaces alanine 833 with valine.
Molecular consequence: missense variant. On other transcripts: non-coding transcript variant (1).
Genome position (GRCh38, 1-based): chr2:215,007,821, G>A on the plus strand (C>T on the coding strand, the complement: ABCA12 is on the minus strand). VCF-style: chr2-215007821-G-A. GRCh37 (hg19) VCF-style: chr2-215872545-G-A.
Other names: c.1544C>T, p.Ala515Val (NM_015657.4); c.2498C>T (NM_173076.2); short protein forms A515V, A833V.
Identifiers: ClinVar variation 1372983 (VCV001372983.4), dbSNP rs745503625, ClinGen allele CA2091946.